The following is an entry in ClinVar:

NM_000382.3(ALDH3A2):c.1113del (p.Lys372fs)

Gene: ALDH3A2 (aldehyde dehydrogenase 3 family member A2; plus strand). Cytogenetic location: 17p11.2.
Variant type: Deletion.
Coding change: c.1113del on transcript NM_000382.3 (MANE Select); coding-DNA position 1113, one base deleted (C; older notation c.1113delC).
Protein change: p.Lys372fs; shifts the reading frame from lysine 372.
Molecular consequence: frameshift variant.
Genome position (GRCh38, 1-based): chr17:19,664,953, C deleted. VCF-style (leftmost placement, unchanged base first): chr17-19664952-TC-T. GRCh37 (hg19) VCF-style: chr17-19568265-TC-T.
Other names: c.1113del, p.Lys372fs (NM_001031806.2, NM_001369136.1, NM_001369137.2 and 3 more transcripts); c.534del, p.Lys179fs (NM_001369148.2); short protein forms K179fs, K372fs.
Identifiers: ClinVar variation 5014539 (VCV005014539.1).

ClinVar aggregate classification (germline): Pathogenic (1 of 4 stars; one submission).

Conditions:
Sjögren-Larsson syndrome (SLS). Also called: FALDH DEFICIENCY; FATTY ALCOHOL:NAD+ OXIDOREDUCTASE DEFICIENCY; FATTY ALDEHYDE DEHYDROGENASE DEFICIENCY; ICHTHYOSIS, SPASTIC NEUROLOGIC DISORDER, AND OLIGOPHRENIA. Identifiers: Orphanet 816, MedGen C0037231, MONDO:0010031, OMIM 270200.

Submission:

Myriad Genetics, Inc.
Classification: Pathogenic for Sjögren-Larsson syndrome. Last evaluated: 2025-05-31. Review status: criteria provided, single submitter. Criteria: Myriad Autosomal Dominant, Autosomal Recessive and X-Linked Classification Criteria (2023). Collection method: clinical testing. Allele origin: unknown.
Comment: NM_000382.2(ALDH3A2):c.1113delC(K372Nfs*3) is expected to be pathogenic in the context of Sjogren-Larsson syndrome. This variant is predicted to lead to an abnormal or absent protein product due to the creation of a premature termination codon in ALDH3A2, a gene where loss-of-function variants are known to be pathogenic. Please note: this variant was assessed in the context of healthy population screening.